The following is an entry in ClinVar:

NM_000492.4(CFTR):c.3602del (p.Asp1201fs)

Genes: CFTR (CF transmembrane conductance regulator; plus strand), CFTR-AS2 (CFTR antisense RNA 2; minus strand). Cytogenetic location: 7q31.2.
Variant type: Deletion.
Coding change: c.3602del on transcript NM_000492.4 (MANE Select); coding-DNA position 3602, one base deleted (A; older notation c.3602delA).
Protein change: p.Asp1201fs; shifts the reading frame from aspartic acid 1201.
Molecular consequence: frameshift variant.
Genome position (GRCh38, 1-based): chr7:117,627,655, A deleted. VCF-style (leftmost placement, unchanged base first): chr7-117627654-GA-G. GRCh37 (hg19) VCF-style: chr7-117267708-GA-G.
Other names: short protein forms D1201fs.
Identifiers: ClinVar variation 1706018 (VCV001706018.1), dbSNP rs2485146410, ClinGen allele CA2580076344.

ClinVar aggregate classification (germline): Likely pathogenic (1 of 4 stars; one submission).

Conditions:
Cystic fibrosis (CF). Also called: MUCOVISCIDOSIS. Identifiers: Orphanet 586, MedGen C0010674, MONDO:0009061, OMIM 219700. Disease mechanism: loss of function.

Submission:

Institute of Human Genetics, University of Leipzig Medical Center
Classification: Likely pathogenic for Cystic fibrosis. Last evaluated: 2022-09-05. Review status: criteria provided, single submitter. Criteria: ACMG Guidelines, 2015. Collection method: curation. Allele origin: unknown. Affected: yes. Observed: 1 variant allele.
Comment: The variant was classified in the context of a project re-classifying variants in the German Cystic Fibrosis Registry (Muko.e.V.). Criteria applied: PVS1, PM2_SUP